The following is an entry in ClinVar:

ClinVar aggregate classification (germline): Uncertain significance (1 of 4 stars; one submission).

Conditions:
CHARGE syndrome (CHARGE). Also called: Hittner Hirsch Kreh syndrome; CHARGE ASSOCIATION--COLOBOMA, HEART ANOMALY, CHOANAL ATRESIA, RETARDATION, GENITAL AND EAR ANOMALIES; Coloboma, heart anomaly, choanal atresia, retardation, genital and ear anomalies; CHARGE association; Hall-Hittner syndrome. Identifiers: Orphanet 138, MedGen C0265354, MONDO:0008965.

Submission:

Labcorp Genetics (formerly Invitae), Labcorp
Classification: Uncertain significance for CHARGE syndrome. Last evaluated: 2023-09-14. Review status: criteria provided, single submitter. Criteria: Invitae Variant Classification Sherloc (09022015). Collection method: clinical testing. Allele origin: germline.
Comment: This sequence change replaces threonine, which is neutral and polar, with isoleucine, which is neutral and non-polar, at codon 2642 of the CHD7 protein (p.Thr2642Ile). In summary, the available evidence is currently insufficient to determine the role of this variant in disease. Therefore, it has been classified as a Variant of Uncertain Significance. Advanced modeling of protein sequence and biophysical properties (such as structural, functional, and spatial information, amino acid conservation, physicochemical variation, residue mobility, and thermodynamic stability) performed at Invitae indicates that this missense variant is not expected to disrupt CHD7 protein function. This variant has not been reported in the literature in individuals affected with CHD7-related conditions. This variant is not present in population databases (gnomAD no frequency).

NM_017780.4(CHD7):c.7925C>T (p.Thr2642Ile)

Gene: CHD7 (chromodomain helicase DNA binding protein 7; plus strand). Cytogenetic location: 8q12.2.
Variant type: single nucleotide variant.
Coding change: c.7925C>T on transcript NM_017780.4 (MANE Select); coding-DNA position 7925, C replaced by T.
Protein change: p.Thr2642Ile; replaces threonine 2642 with isoleucine.
Molecular consequence: missense variant.
Genome position (GRCh38, 1-based): chr8:60,862,290, C>T. VCF-style: chr8-60862290-C-T. GRCh37 (hg19) VCF-style: chr8-61774849-C-T.
Other names: c.1778C>T, p.Thr593Ile (NM_001316690.1); short protein forms T2642I, T593I.
Identifiers: ClinVar variation 2760711 (VCV002760711.3), dbSNP rs2488118377, ClinGen allele CA371305522.